The following is an entry in ClinVar:

NM_005359.6(SMAD4):c.1523del (p.Gly508fs)

Gene: SMAD4 (SMAD family member 4; plus strand). Cytogenetic location: 18q21.2.
Variant type: Deletion.
Coding change: c.1523del on transcript NM_005359.6 (MANE Select); coding-DNA position 1523, one base deleted (G; older notation c.1523delG).
Protein change: p.Gly508fs; shifts the reading frame from glycine 508.
Molecular consequence: frameshift variant.
Genome position (GRCh38, 1-based): chr18:51,078,331, G deleted; the last of 2 consecutive G bases (chr18:51,078,330-51,078,331); deleting either gives the same sequence. VCF-style (leftmost placement, unchanged base first): chr18-51078329-AG-A. GRCh37 (hg19) VCF-style: chr18-48604699-AG-A.
Other names: short protein forms G508fs.
Identifiers: ClinVar variation 1372436 (VCV001372436.7), dbSNP rs2144478656, ClinGen allele CA2573155358.

ClinVar aggregate classification (germline): Pathogenic/Likely pathogenic. Review status: criteria provided, multiple submitters, no conflicts (2 of 4 stars). 2 submissions from 2 submitters: Pathogenic (1); Likely pathogenic (1). Last evaluated 2021-12-11.

Conditions:
Juvenile polyposis syndrome (JPS). Identifiers: Orphanet 2929, MedGen C0345893, MONDO:0017380, OMIM 174900.
Juvenile polyposis/hereditary hemorrhagic telangiectasia syndrome (JPHT). Also called: Juvenile Polyposis Syndrome / Hereditary Hemorrhagic Telangiectasia (JPS/HHT); JP/HHT SYNDROME; JUVENILE POLYPOSIS WITH HEREDITARY HEMORRHAGIC TELANGIECTASIA; POLYPOSIS, GENERALIZED JUVENILE, WITH PULMONARY ARTERIOVENOUS MALFORMATION; TELANGIECTASIA, HEREDITARY HEMORRHAGIC, WITH JUVENILE POLYPOSIS COLI. Identifiers: Orphanet 2929, MedGen C1832942, MONDO:0008278, OMIM 175050.

Submissions (2):

Baylor Genetics
Classification: Likely pathogenic for Juvenile polyposis/hereditary hemorrhagic telangiectasia syndrome. Last evaluated: 2021-12-11. Review status: criteria provided, single submitter. Criteria: ACMG Guidelines, 2015. Collection method: clinical testing. Allele origin: unknown.

Labcorp Genetics (formerly Invitae), Labcorp
Classification: Pathogenic for Juvenile polyposis syndrome. Last evaluated: 2021-09-20. Review status: criteria provided, single submitter. Criteria: Invitae Variant Classification Sherloc (09022015). Collection method: clinical testing. Allele origin: germline.
Comment: This sequence change creates a premature translational stop signal (p.Gly508Alafs*29) in the SMAD4 gene. While this is not anticipated to result in nonsense mediated decay, it is expected to disrupt the last 45 amino acid(s) of the SMAD4 protein. This variant is not present in population databases (ExAC no frequency). This variant has not been reported in the literature in individuals affected with SMAD4-related conditions. This variant disrupts a region of the SMAD4 protein in which other variant(s) (p.Ala532Profs*5) have been determined to be pathogenic (PMID: 15031030). This suggests that this is a clinically significant region of the protein, and that variants that disrupt it are likely to be disease-causing. For these reasons, this variant has been classified as Pathogenic.

Literature cited by the submitters: PubMed 15031030 (cited by Labcorp Genetics (formerly Invitae), Labcorp).